The following is an entry in ClinVar:

ClinVar aggregate classification (germline): Uncertain significance (1 of 4 stars; one submission).

Conditions:
Autosomal dominant hypocalcemia 1 (HYPOC1). Also called: HYPOCALCEMIA, FAMILIAL. Identifiers: MedGen C3715128, MONDO:0011013, OMIM 601198.
Familial hypocalciuric hypercalcemia (FHH). Also called: Familial benign hypercalcemia. Identifiers: Orphanet 405, MedGen C1809471, MONDO:0018458.

Allele frequency attached by ClinVar (database versions not stated): gnomAD exomes below 0.00001.
gnomAD v4.1: 2 of 1,614,204 alleles (0.00012%); highest among the groups gnomAD compares: Non-Finnish European, 0.00017%; no homozygotes.

Submission:

Labcorp Genetics (formerly Invitae), Labcorp
Classification: Uncertain significance for Familial hypocalciuric hypercalcemia; Autosomal dominant hypocalcemia 1. Last evaluated: 2023-03-14. Review status: criteria provided, single submitter. Criteria: Invitae Variant Classification Sherloc (09022015). Collection method: clinical testing. Allele origin: germline.
Comment: In summary, the available evidence is currently insufficient to determine the role of this variant in disease. Therefore, it has been classified as a Variant of Uncertain Significance. An algorithm developed to predict the effect of missense changes on protein structure and function (PolyPhen-2) suggests that this variant is likely to be tolerated. ClinVar contains an entry for this variant (Variation ID: 1008574). This variant has not been reported in the literature in individuals affected with CASR-related conditions. This variant is not present in population databases (gnomAD no frequency). This sequence change replaces alanine, which is neutral and non-polar, with threonine, which is neutral and polar, at codon 321 of the CASR protein (p.Ala321Thr).

NM_000388.4(CASR):c.961G>A (p.Ala321Thr)

Gene: CASR (calcium sensing receptor; plus strand). Cytogenetic location: 3q21.1.
Variant type: single nucleotide variant.
Coding change: c.961G>A on transcript NM_000388.4 (MANE Select); coding-DNA position 961, G replaced by A.
Protein change: p.Ala321Thr; replaces alanine 321 with threonine.
Molecular consequence: missense variant.
Genome position (GRCh38, 1-based): chr3:122,261,996, G>A. VCF-style: chr3-122261996-G-A. GRCh37 (hg19) VCF-style: chr3-121980843-G-A.
Other names: c.961G>A, p.Ala321Thr (NM_001178065.2); short protein forms A321T.
Identifiers: ClinVar variation 1008574 (VCV001008574.9), dbSNP rs2074631702, ClinGen allele CA354151806.
Genomic context (GRCh38, chr3:122,261,996, plus strand): 5'-AGCTCCTCCCTGATCGCCATGCCTCAGTACTTCCACGTGGTTGGCGGCACCATTGGATTC[G>A]CTCTGAAGGCTGGGCAGATCCCAGGCTTCCGGGAATTCCTGAAGAAGGTCCATCCCAGGA-3'
Protein context (NP_000379.3, residues 311-331): FHVVGGTIGF[Ala321Thr]LKAGQIPGFR